The following is an entry in ClinVar:

ClinVar aggregate classification (germline): Likely benign (1 of 4 stars; one submission).

Allele frequency attached by ClinVar (database versions not stated): gnomAD 0.00001 and 0.00003.
gnomAD v4.1: 1 of 1,613,878 alleles (0.000062%); highest among the groups gnomAD compares: Middle Eastern, 0.016%; no homozygotes.

Submission:

GeneDx
Classification: Likely benign. Last evaluated: 2017-08-10. Review status: criteria provided, single submitter. Criteria: GeneDx Variant Classification (06012015). Collection method: clinical testing. Allele origin: germline. Affected: yes.
Comment: This variant is considered likely benign or benign based on one or more of the following criteria: it is a conservative change, it occurs at a poorly conserved position in the protein, it is predicted to be benign by multiple in silico algorithms, and/or has population frequency not consistent with disease.

NM_018136.5(ASPM):c.2310C>T (p.Cys770=)

Gene: ASPM (assembly factor for spindle microtubules; minus strand). Cytogenetic location: 1q31.3.
Variant type: single nucleotide variant.
Coding change: c.2310C>T on transcript NM_018136.5 (MANE Select); coding-DNA position 2310, C replaced by T.
Protein change: p.Cys770=; no amino-acid change (cysteine 770 retained).
Molecular consequence: synonymous variant.
Genome position (GRCh38, 1-based): chr1:197,133,459, G>A on the plus strand (C>T on the coding strand, the complement: ASPM is on the minus strand). VCF-style: chr1-197133459-G-A. GRCh37 (hg19) VCF-style: chr1-197102589-G-A.
Other names: c.2310C>T, p.Cys770= (NM_001206846.2).
Identifiers: ClinVar variation 511316 (VCV000511316.1), dbSNP rs1215078842, ClinGen allele CA422803659.